The following is an entry in ClinVar:

ClinVar aggregate classification (germline): Uncertain significance. Review status: criteria provided, multiple submitters, no conflicts (2 of 4 stars). 2 submissions from 2 submitters: Uncertain significance (2). Last evaluated 2021-07-14.

gnomAD v4.1: 16 of 1,611,152 alleles (0.00099%); highest among the groups gnomAD compares: East Asian, 0.0022%; no homozygotes.

Submissions (2):

Ambry Genetics
Classification: Uncertain significance. Last evaluated: 2021-07-14. Review status: criteria provided, single submitter. Criteria: Ambry Variant Classification Scheme 2023. Collection method: clinical testing. Allele origin: germline.

Labcorp Genetics (formerly Invitae), Labcorp
Classification: Uncertain significance. Last evaluated: 2021-02-18. Review status: criteria provided, single submitter. Criteria: Invitae Variant Classification Sherloc (09022015). Collection method: clinical testing. Allele origin: germline.
Comment: This sequence change replaces arginine with proline at codon 70 of the SLC22A4 protein (p.Arg70Pro). The arginine residue is weakly conserved and there is a moderate physicochemical difference between arginine and proline. This variant is not present in population databases (ExAC no frequency). This variant has not been reported in the literature in individuals with SLC22A4-related conditions. Algorithms developed to predict the effect of missense changes on protein structure and function (SIFT, PolyPhen-2, Align-GVGD) all suggest that this variant is likely to be tolerated, but these predictions have not been confirmed by published functional studies and their clinical significance is uncertain. In summary, the available evidence is currently insufficient to determine the role of this variant in disease. Therefore, it has been classified as a Variant of Uncertain Significance.

NM_003059.3(SLC22A4):c.209G>C (p.Arg70Pro)

Gene: SLC22A4 (solute carrier family 22 member 4; plus strand). Cytogenetic location: 5q31.1.
Variant type: single nucleotide variant.
Coding change: c.209G>C on transcript NM_003059.3 (MANE Select); coding-DNA position 209, G replaced by C.
Protein change: p.Arg70Pro; replaces arginine 70 with proline.
Molecular consequence: missense variant.
Genome position (GRCh38, 1-based): chr5:132,294,825, G>C. VCF-style: chr5-132294825-G-C. GRCh37 (hg19) VCF-style: chr5-131630518-G-C.
Other names: c.209G>C (NM_003059.2); short protein forms R70P.
Identifiers: ClinVar variation 1483903 (VCV001483903.9), dbSNP rs749095440, ClinGen allele CA127209568.